The following is an entry in ClinVar:

NM_006294.5(UQCRB):c.44A>G (p.Asp15Gly)

Gene: UQCRB (ubiquinol-cytochrome c reductase binding protein; minus strand). Cytogenetic location: 8q22.1.
Variant type: single nucleotide variant.
Coding change: c.44A>G on transcript NM_006294.5 (MANE Select); coding-DNA position 44, A replaced by G.
Protein change: p.Asp15Gly; replaces aspartic acid 15 with glycine.
Molecular consequence: missense variant. On other transcripts: 5 prime UTR variant (1), non-coding transcript variant (1).
Genome position (GRCh38, 1-based): chr8:96,233,203, T>C on the plus strand (A>G on the coding strand, the complement: UQCRB is on the minus strand). VCF-style: chr8-96233203-T-C. GRCh37 (hg19) VCF-style: chr8-97245431-T-C.
Other names: c.-53A>G (NM_001199975.3); c.44A>G, p.Asp15Gly (NM_001254752.2); short protein forms D15G.
Identifiers: ClinVar variation 4691557 (VCV004691557.1).
Genomic context (GRCh38, chr8:96,233,203, plus strand): 5'-CACAGCTGCTTACCCAGTTTATTGAATCCTGCAGCATTGTAATACCATTTTCGAATACCA[T>C]CCAGCCACTTGCCTGATGCTGAAACTGATAATTGTCACACTGTTAATTGCTACAATTTAA-3'
Protein context (NP_006285.1, residues 5-25): QAVSASGKWL[Asp15Gly]GIRKWYYNAA

ClinVar aggregate classification (germline): Uncertain significance (1 of 4 stars; one submission).

Submission:

Labcorp Genetics (formerly Invitae), Labcorp
Classification: Uncertain significance. Last evaluated: 2025-09-21. Review status: criteria provided, single submitter. Criteria: Invitae Variant Classification Sherloc (09022015). Collection method: clinical testing. Allele origin: germline.
Comment: This sequence change replaces aspartic acid, which is acidic and polar, with glycine, which is neutral and non-polar, at codon 15 of the UQCRB protein (p.Asp15Gly). This variant is not present in population databases (gnomAD no frequency). This variant has not been reported in the literature in individuals affected with UQCRB-related conditions. An algorithm developed to predict the effect of missense changes on protein structure and function (PolyPhen-2) suggests that this variant is likely to be tolerated. Algorithms developed to predict the effect of sequence changes on RNA splicing suggest that this variant may disrupt the consensus splice site. In summary, the available evidence is currently insufficient to determine the role of this variant in disease. Therefore, it has been classified as a Variant of Uncertain Significance.